The following is an entry in ClinVar:

NM_002734.5(PRKAR1A):c.542A>G (p.Glu181Gly)

Gene: PRKAR1A (protein kinase cAMP-dependent type I regulatory subunit alpha; plus strand). Cytogenetic location: 17q24.2.
Variant type: single nucleotide variant.
Coding change: c.542A>G on transcript NM_002734.5 (MANE Select); coding-DNA position 542, A replaced by G.
Protein change: p.Glu181Gly; replaces glutamic acid 181 with glycine.
Molecular consequence: missense variant.
Genome position (GRCh38, 1-based): chr17:68,524,951, A>G. VCF-style: chr17-68524951-A-G. GRCh37 (hg19) VCF-style: chr17-66521092-A-G.
Other names: c.542A>G, p.Glu181Gly (NM_001276289.2, NM_001276290.1, NM_001278433.2 and 4 more transcripts); c.542A>G (NM_002734.3); short protein forms E181G.
Identifiers: ClinVar variation 1375567 (VCV001375567.7), dbSNP rs2143307456, ClinGen allele CA400753019.
Genomic context (GRCh38, chr17:68,524,951, plus strand): 5'-AACTTTTTTACCCTCTTTTAGGTGATGAAGGGGATAACTTCTATGTGATTGATCAAGGAG[A>G]GACGGATGTAAGATTTACCAATATCAAAAATATGTTGATCTTAAAAGCCAATGTATTGAT-3'
Protein context (NP_002725.1, residues 171-191): GDNFYVIDQG[Glu181Gly]TDVYVNNEWA

ClinVar aggregate classification (germline): Uncertain significance. Review status: criteria provided, multiple submitters, no conflicts (2 of 4 stars). 2 submissions from 2 submitters: Uncertain significance (2). Last evaluated 2025-01-16.

Conditions:
Hereditary cancer-predisposing syndrome. Also called: Neoplastic Syndromes, Hereditary; Hereditary Cancer Syndrome; Tumor predisposition; Hereditary neoplastic syndrome. Identifiers: Orphanet 140162, MedGen C0027672, MeSH D009386, MONDO:0015356.
Carney complex, type 1 (CNC1). Also called: CARNEY MYXOMA-ENDOCRINE COMPLEX; CARNEY COMPLEX, TYPE I. Identifiers: Orphanet 1359, MedGen C2607929, MONDO:0008057, OMIM 160980.

Submissions (2):

Ambry Genetics
Classification: Uncertain significance for Hereditary cancer-predisposing syndrome. Last evaluated: 2025-01-16. Review status: criteria provided, single submitter. Criteria: Ambry Variant Classification Scheme 2023. Collection method: clinical testing. Allele origin: germline.
Comment: The p.E181G variant (also known as c.542A>G), located in coding exon 5 of the PRKAR1A gene, results from an A to G substitution at nucleotide position 542. The glutamic acid at codon 181 is replaced by glycine, an amino acid with similar properties. This amino acid position is conserved. In addition, this alteration is predicted to be deleterious by in silico analysis. Based on the available evidence, the clinical significance of this variant remains unclear.

Labcorp Genetics (formerly Invitae), Labcorp
Classification: Uncertain significance for Carney complex, type 1. Last evaluated: 2021-08-17. Review status: criteria provided, single submitter. Criteria: Invitae Variant Classification Sherloc (09022015). Collection method: clinical testing. Allele origin: germline.
Comment: This variant has not been reported in the literature in individuals affected with PRKAR1A-related conditions. Algorithms developed to predict the effect of missense changes on protein structure and function (SIFT, PolyPhen-2, Align-GVGD) all suggest that this variant is likely to be tolerated. In summary, the available evidence is currently insufficient to determine the role of this variant in disease. Therefore, it has been classified as a Variant of Uncertain Significance. This variant is not present in population databases (ExAC no frequency). This sequence change replaces glutamic acid with glycine at codon 181 of the PRKAR1A protein (p.Glu181Gly). The glutamic acid residue is highly conserved and there is a moderate physicochemical difference between glutamic acid and glycine.